The following is an entry in ClinVar:

ClinVar aggregate classification (germline): Uncertain significance (1 of 4 stars; one submission).

Submission:

Greenwood Genetic Center Diagnostic Laboratories, Greenwood Genetic Center
Classification: Uncertain significance. Last evaluated: 2024-03-01. Review status: criteria provided, single submitter. Criteria: ACMG Guidelines, 2015. Collection method: clinical testing. Allele origin: germline. Affected: yes.
Comment: PM2, PP2, PP3

NM_001375380.1(EBF3):c.1508T>G (p.Val503Gly)

Gene: EBF3 (EBF transcription factor 3; minus strand). Cytogenetic location: 10q26.3.
Variant type: single nucleotide variant.
Coding change: c.1508T>G on transcript NM_001375380.1 (MANE Select); coding-DNA position 1508, T replaced by G.
Protein change: p.Val503Gly; replaces valine 503 with glycine.
Molecular consequence: missense variant. On other transcripts: intron variant (1).
Genome position (GRCh38, 1-based): chr10:129,840,897, A>C on the plus strand (T>G on the coding strand, the complement: EBF3 is on the minus strand). VCF-style: chr10-129840897-A-C. GRCh37 (hg19) VCF-style: chr10-131639161-A-C.
Other names: c.1481T>G, p.Val494Gly (NM_001005463.3, NM_001375390.1); c.1508T>G, p.Val503Gly (NM_001375379.1, NM_001375389.1, NM_001375391.1); c.1346-455T>G (NM_001375392.1); short protein forms V494G, V503G.
Identifiers: ClinVar variation 3235770 (VCV003235770.1), dbSNP rs1419753170, ClinGen allele CA378718012.